The following is an entry in ClinVar:

NM_006506.5(RASA2):c.2417C>T (p.Thr806Ile)

Gene: RASA2 (RAS p21 protein activator 2; plus strand). Cytogenetic location: 3q23.
Variant type: single nucleotide variant.
Coding change: c.2417C>T on transcript NM_006506.5 (MANE Select); coding-DNA position 2417, C replaced by T.
Protein change: p.Thr806Ile; replaces threonine 806 with isoleucine.
Molecular consequence: missense variant.
Genome position (GRCh38, 1-based): chr3:141,609,964, C>T. VCF-style: chr3-141609964-C-T. GRCh37 (hg19) VCF-style: chr3-141328806-C-T.
Other names: c.2420C>T, p.Thr807Ile (NM_001303245.3); c.2429C>T, p.Thr810Ile (NM_001303246.3); short protein forms T806I, T807I, T810I.
Identifiers: ClinVar variation 3943003 (VCV003943003.1).

ClinVar aggregate classification (germline): Uncertain significance (1 of 4 stars; one submission).

Submission:

Ambry Genetics
Classification: Uncertain significance. Last evaluated: 2025-04-30. Review status: criteria provided, single submitter. Criteria: Ambry Variant Classification Scheme 2023. Collection method: clinical testing. Allele origin: germline.
Comment: The p.T806I variant (also known as c.2417C>T), located in coding exon 23 of the RASA2 gene, results from a C to T substitution at nucleotide position 2417. The threonine at codon 806 is replaced by isoleucine, an amino acid with similar properties. This amino acid position is conserved. In addition, this alteration is predicted to be deleterious by in silico analysis. Based on the available evidence, the clinical significance of this variant remains unclear.